The following is an entry in ClinVar:

NM_182920.2(ADAMTS9):c.259G>T (p.Ala87Ser)

Genes: ADAMTS9 (ADAM metallopeptidase with thrombospondin type 1 motif 9; minus strand), ADAMTS9-AS2 (ADAMTS9 antisense RNA 2; plus strand). Cytogenetic location: 3p14.1.
Variant type: single nucleotide variant.
Coding change: c.259G>T on transcript NM_182920.2 (MANE Select); coding-DNA position 259, G replaced by T.
Protein change: p.Ala87Ser; replaces alanine 87 with serine.
Molecular consequence: missense variant.
Genome position (GRCh38, 1-based): chr3:64,686,825, C>A on the plus strand (G>T on the coding strand, the complement: ADAMTS9 is on the minus strand). VCF-style: chr3-64686825-C-A. GRCh37 (hg19) VCF-style: chr3-64672501-C-A.
Other names: c.259G>T, p.Ala87Ser (NM_001318781.2); short protein forms A87S.
Identifiers: ClinVar variation 778087 (VCV000778087.10), dbSNP rs61735958, ClinGen allele CA2481911.

ClinVar aggregate classification (germline): Benign. Review status: criteria provided, multiple submitters, no conflicts (2 of 4 stars). 3 submissions from 3 submitters: Benign (2). 1 of the submissions does not count toward it. Last evaluated 2025-12-19.

Conditions:
ADAMTS9-related disorder. Also called: ADAMTS9-related condition.

Allele frequency attached by ClinVar (database versions not stated): 1000 Genomes Project 30x 0.01156; 1000 Genomes Project 0.01058; gnomAD 0.00851; TOPMed 0.00989; ESP Exome Variant Server 0.01069; ExAC 0.00300.
gnomAD v4.1: 2,632 of 1,613,990 alleles (0.16%); highest among the groups gnomAD compares: African/African-American, 3%; 42 homozygotes.

Submissions (3):

Labcorp Genetics (formerly Invitae), Labcorp
Classification: Benign. Last evaluated: 2025-12-19. Review status: criteria provided, single submitter. Criteria: Invitae Variant Classification Sherloc (09022015). Collection method: clinical testing. Allele origin: germline.

Breakthrough Genomics
Classification: Benign. Review status: criteria provided, single submitter. Criteria: ACMG Guidelines, 2015. Collection method: not provided. Allele origin: germline. Inheritance: Unknown mechanism. Affected: yes.

PreventionGenetics, part of Exact Sciences
Classification: Benign for ADAMTS9-related condition. Last evaluated: 2019-08-14. Review status: no assertion criteria provided. Collection method: clinical testing. Allele origin: germline. Not counted in ClinVar's aggregate classification.
Comment: This variant is classified as benign based on ACMG/AMP sequence variant interpretation guidelines (Richards et al. 2015 PMID: 25741868, with internal and published modifications).